The following is an entry in ClinVar:

NM_017617.5(NOTCH1):c.1677G>A (p.Thr559=)

Gene: NOTCH1 (notch receptor 1; minus strand). Cytogenetic location: 9q34.3.
Variant type: single nucleotide variant.
Coding change: c.1677G>A on transcript NM_017617.5 (MANE Select); coding-DNA position 1677, G replaced by A.
Protein change: p.Thr559=; no amino-acid change (threonine 559 retained).
Molecular consequence: synonymous variant.
Genome position (GRCh38, 1-based): chr9:136,515,709, C>T on the plus strand (G>A on the coding strand, the complement: NOTCH1 is on the minus strand). VCF-style: chr9-136515709-C-T. GRCh37 (hg19) VCF-style: chr9-139410161-C-T.
Other names: c.1677G>A (NM_017617.3).
Identifiers: ClinVar variation 1579953 (VCV001579953.9), dbSNP rs1391226025, ClinGen allele CA467833723.

ClinVar aggregate classification (germline): Conflicting classifications of pathogenicity. Review status: criteria provided, conflicting classifications (1 of 4 stars). 2 submissions from 2 submitters: Uncertain significance (1); Likely benign (1). Last evaluated 2025-12-01.

Conditions:
Adams-Oliver syndrome 5 (AOS5). Identifiers: Orphanet 974, MedGen C4014970, MONDO:0014459, OMIM 616028.
Familial thoracic aortic aneurysm and aortic dissection (TAAD). Also called: Thoracic aortic aneurysms and dissections. Identifiers: Orphanet 91387, MedGen C4707243, MONDO:0019625.

Allele frequency attached by ClinVar (database versions not stated): gnomAD 0.00001 and 0.00002; gnomAD exomes 0.00002 and 0.00003.
gnomAD v4.1: 22 of 1,539,768 alleles (0.0014%); highest among the groups gnomAD compares: African/African-American, 0.0041%; no homozygotes.

Submissions (2):

Labcorp Genetics (formerly Invitae), Labcorp
Classification: Likely benign for Adams-Oliver syndrome 5. Last evaluated: 2025-12-01. Review status: criteria provided, single submitter. Criteria: Invitae Variant Classification Sherloc (09022015). Collection method: clinical testing. Allele origin: germline.

Ambry Genetics
Classification: Uncertain significance for Familial thoracic aortic aneurysm and aortic dissection. Last evaluated: 2023-11-03. Review status: criteria provided, single submitter. Criteria: Ambry Variant Classification Scheme 2023. Collection method: clinical testing. Allele origin: germline.
Comment: The c.1677G>A variant (also known as p.T559T), located in coding exon 11 of the NOTCH1 gene, results from a G to A substitution at nucleotide position 1677. This nucleotide substitution does not change the threonine at codon 559. This nucleotide position is poorly conserved in available vertebrate species. In silico splice site analysis for this alteration is inconclusive. Since supporting evidence is limited at this time, the clinical significance of this alteration remains unclear.